The following is an entry in ClinVar:

NM_005956.4(MTHFD1):c.806C>T (p.Thr269Ile)

Gene: MTHFD1 (methylenetetrahydrofolate dehydrogenase, cyclohydrolase and formyltetrahydrofolate synthetase 1; plus strand). Cytogenetic location: 14q23.3.
Variant type: single nucleotide variant.
Coding change: c.806C>T on transcript NM_005956.4 (MANE Select); coding-DNA position 806, C replaced by T.
Protein change: p.Thr269Ile; replaces threonine 269 with isoleucine.
Molecular consequence: missense variant.
Genome position (GRCh38, 1-based): chr14:64,424,882, C>T. VCF-style: chr14-64424882-C-T. GRCh37 (hg19) VCF-style: chr14-64891600-C-T.
Other names: c.806C>T, p.Thr269Ile (LRG_1243t1, NM_001364837.1); short protein forms T269I.
Identifiers: ClinVar variation 446304 (VCV000446304.1), dbSNP rs1555337681, ClinGen allele CA389983770.

ClinVar aggregate classification (germline): Likely pathogenic. Review status: criteria provided, single submitter (1 of 4 stars). 2 submissions from 2 submitters: Likely pathogenic (1). 1 of the submissions does not count toward it. Last evaluated 2018-10-15.

Conditions:
Combined immunodeficiency and megaloblastic anemia with or without hyperhomocysteinemia. Also called: COMBINED IMMUNODEFICIENCY AND MEGALOBLASTIC ANEMIA; METHYLENETETRAHYDROFOLATE DEHYDROGENASE 1 DEFICIENCY. Identifiers: Orphanet 658813, MedGen C4540434, MONDO:0060611, OMIM 617780.

Allele frequency attached by ClinVar (database versions not stated): TOPMed below 0.00001.

Submissions (2):

SIB Swiss Institute of Bioinformatics
Classification: Likely pathogenic for Combined immunodeficiency and megaloblastic anemia with or without hyperhomocysteinemia. Last evaluated: 2018-10-15. Review status: criteria provided, single submitter. Criteria: ACMG Guidelines, 2015. Collection method: curation. Allele origin: unknown.
Comment: This variant is interpreted as Likely Pathogenic, for Combined immunodeficiency and megaloblastic anemia with or without hyperhomocysteinemia, autosomal recessive. The following ACMG Tag(s) were applied: PM2 => Absent from controls (or at extremely low frequency if recessive) in Exome Sequencing Project, 1000 Genomes Project, or Exome Aggregation Consortium. PP3 => Multiple lines of computational evidence support a deleterious effect on the gene or gene product. PM3 => For recessive disorders, detected in trans with a pathogenic variant (PubMed 25633902). PS3 => Well-established functional studies show a deleterious effect (PubMed 25633902).

OMIM
Classification: Pathogenic for COMBINED IMMUNODEFICIENCY AND MEGALOBLASTIC ANEMIA WITH HYPERHOMOCYSTEINEMIA. Last evaluated: 2017-11-21. Review status: no assertion criteria provided. Collection method: literature only. Allele origin: germline. Not counted in ClinVar's aggregate classification.

Literature cited by the submitters: PubMed 25633902 (cited by SIB Swiss Institute of Bioinformatics and OMIM); Hamosh, A. Personal Communication. 2017. Baltimore, Md. (cited by OMIM).